The following is an entry in ClinVar:

NM_006270.5(RRAS):c.403T>C (p.Phe135Leu)

Gene: RRAS (RAS related; minus strand). Cytogenetic location: 19q13.33.
Variant type: single nucleotide variant.
Coding change: c.403T>C on transcript NM_006270.5 (MANE Select); coding-DNA position 403, T replaced by C.
Protein change: p.Phe135Leu; replaces phenylalanine 135 with leucine.
Molecular consequence: missense variant.
Genome position (GRCh38, 1-based): chr19:49,636,669, A>G on the plus strand (T>C on the coding strand, the complement: RRAS is on the minus strand). VCF-style: chr19-49636669-A-G. GRCh37 (hg19) VCF-style: chr19-50139926-A-G.
Other names: short protein forms F135L.
Identifiers: ClinVar variation 3667690 (VCV003667690.2).

ClinVar aggregate classification (germline): Uncertain significance (1 of 4 stars; one submission).

Conditions:
Noonan syndrome (NS). Also called: Noonan's syndrome. Identifiers: Orphanet 648, MedGen C0028326, MeSH D009634, MONDO:0018997. Disease mechanism: gain of function.

gnomAD v4.1: 3 of 1,614,132 alleles (0.00019%); highest among the groups gnomAD compares: Non-Finnish European, 0.00017%; no homozygotes.

Submission:

Labcorp Genetics (formerly Invitae), Labcorp
Classification: Uncertain significance for Noonan syndrome. Last evaluated: 2024-04-03. Review status: criteria provided, single submitter. Criteria: Invitae Variant Classification Sherloc (09022015). Collection method: clinical testing. Allele origin: germline.
Comment: This sequence change replaces phenylalanine, which is neutral and non-polar, with leucine, which is neutral and non-polar, at codon 135 of the RRAS protein (p.Phe135Leu). This variant is not present in population databases (gnomAD no frequency). This variant has not been reported in the literature in individuals affected with RRAS-related conditions. An algorithm developed to predict the effect of missense changes on protein structure and function (PolyPhen-2) suggests that this variant is likely to be disruptive. In summary, the available evidence is currently insufficient to determine the role of this variant in disease. Therefore, it has been classified as a Variant of Uncertain Significance.